The following is an entry in ClinVar:

NM_005732.4(RAD50):c.3256A>G (p.Ile1086Val)

Gene: RAD50 (RAD50 double strand break repair protein; plus strand). Cytogenetic location: 5q31.1.
Variant type: single nucleotide variant.
Coding change: c.3256A>G on transcript NM_005732.4 (MANE Select); coding-DNA position 3256, A replaced by G.
Protein change: p.Ile1086Val; replaces isoleucine 1086 with valine.
Molecular consequence: missense variant.
Genome position (GRCh38, 1-based): chr5:132,618,161, A>G. VCF-style: chr5-132618161-A-G. GRCh37 (hg19) VCF-style: chr5-131953853-A-G.
Other names: short protein forms I1086V.
Identifiers: ClinVar variation 849675 (VCV000849675.11), dbSNP rs1751211240, ClinGen allele CA360964541.

ClinVar aggregate classification (germline): Uncertain significance. Review status: criteria provided, multiple submitters, no conflicts (2 of 4 stars). 2 submissions from 2 submitters: Uncertain significance (2). Last evaluated 2023-10-01.

Conditions:
Hereditary cancer-predisposing syndrome. Also called: Tumor predisposition; Neoplastic Syndromes, Hereditary; Hereditary neoplastic syndrome; Hereditary Cancer Syndrome. Identifiers: Orphanet 140162, MedGen C0027672, MeSH D009386, MONDO:0015356.

Submissions (2):

Ambry Genetics
Classification: Uncertain significance for Hereditary cancer-predisposing syndrome. Last evaluated: 2023-10-01. Review status: criteria provided, single submitter. Criteria: Ambry Variant Classification Scheme 2023. Collection method: clinical testing. Allele origin: germline.
Comment: The p.I1086V variant (also known as c.3256A>G), located in coding exon 21 of the RAD50 gene, results from an A to G substitution at nucleotide position 3256. The isoleucine at codon 1086 is replaced by valine, an amino acid with highly similar properties. This amino acid position is conserved. In addition, this alteration is predicted to be tolerated by in silico analysis. Since supporting evidence is limited at this time, the clinical significance of this alteration remains unclear.

Labcorp Genetics (formerly Invitae), Labcorp
Classification: Uncertain significance for Hereditary cancer-predisposing syndrome. Last evaluated: 2019-03-07. Review status: criteria provided, single submitter. Criteria: Invitae Variant Classification Sherloc (09022015). Collection method: clinical testing. Allele origin: germline.
Comment: Algorithms developed to predict the effect of missense changes on protein structure and function (SIFT, PolyPhen-2, Align-GVGD) all suggest that this variant is likely to be tolerated, but these predictions have not been confirmed by published functional studies and their clinical significance is uncertain. This sequence change replaces isoleucine with valine at codon 1086 of the RAD50 protein (p.Ile1086Val). The isoleucine residue is weakly conserved and there is a small physicochemical difference between isoleucine and valine. This variant is not present in population databases (ExAC no frequency). This variant has not been reported in the literature in individuals with RAD50-related conditions. In summary, the available evidence is currently insufficient to determine the role of this variant in disease. Therefore, it has been classified as a Variant of Uncertain Significance.